The following is an entry in ClinVar:

ClinVar aggregate classification (germline): Uncertain significance (1 of 4 stars; one submission).

gnomAD v4.1: 1 of 1,593,124 alleles (0.000063%); highest among the groups gnomAD compares: Non-Finnish European, 0.000085%; no homozygotes.

Submission:

Labcorp Genetics (formerly Invitae), Labcorp
Classification: Uncertain significance. Last evaluated: 2022-09-27. Review status: criteria provided, single submitter. Criteria: Invitae Variant Classification Sherloc (09022015). Collection method: clinical testing. Allele origin: germline.
Comment: This variant has not been reported in the literature in individuals affected with CWC27-related conditions. This variant is not present in population databases (gnomAD no frequency). This sequence change replaces arginine, which is basic and polar, with serine, which is neutral and polar, at codon 181 of the CWC27 protein (p.Arg181Ser). Algorithms developed to predict the effect of missense changes on protein structure and function are either unavailable or do not agree on the potential impact of this missense change (SIFT: "Deleterious"; PolyPhen-2: "Benign"; Align-GVGD: "Class C0"). In summary, the available evidence is currently insufficient to determine the role of this variant in disease. Therefore, it has been classified as a Variant of Uncertain Significance.

NM_005869.4(CWC27):c.543G>C (p.Arg181Ser)

Gene: CWC27 (CWC27 spliceosome associated cyclophilin; plus strand). Cytogenetic location: 5q12.3.
Variant type: single nucleotide variant.
Coding change: c.543G>C on transcript NM_005869.4 (MANE Select); coding-DNA position 543, G replaced by C.
Protein change: p.Arg181Ser; replaces arginine 181 with serine.
Molecular consequence: missense variant.
Genome position (GRCh38, 1-based): chr5:64,786,571, G>C. VCF-style: chr5-64786571-G-C. GRCh37 (hg19) VCF-style: chr5-64082398-G-C.
Other names: c.543G>C, p.Arg181Ser (NM_001297644.1, NM_001297645.2, NM_001318000.2 and 1 more transcripts); short protein forms R181S.
Identifiers: ClinVar variation 2096194 (VCV002096194.4), dbSNP rs758974228, ClinGen allele CA359846643.
Genomic context (GRCh38, chr5:64,786,571, plus strand): 5'-TTTTTTTTCATAGGTTTTGTTTAATCCTTTTGATGACATCATTCCAAGGGAAATTAAAAG[G>C]CTGAAAAAAGAGAAACCAGAGGAGGAAGTAAAGAAATTGAAACCCAAAGGCACAAAGTAA-3'
Protein context (NP_005860.2, residues 171-191): FDDIIPREIK[Arg181Ser]LKKEKPEEEV